The following is an entry in ClinVar:

NM_001846.4(COL4A2):c.3817C>T (p.Pro1273Ser)

Gene: COL4A2 (collagen type IV alpha 2 chain; plus strand). Cytogenetic location: 13q34.
Variant type: single nucleotide variant.
Coding change: c.3817C>T on transcript NM_001846.4 (MANE Select); coding-DNA position 3817, C replaced by T.
Protein change: p.Pro1273Ser; replaces proline 1273 with serine.
Molecular consequence: missense variant.
Genome position (GRCh38, 1-based): chr13:110,501,724, C>T. VCF-style: chr13-110501724-C-T. GRCh37 (hg19) VCF-style: chr13-111154071-C-T.
Other names: short protein forms P1273S.
Identifiers: ClinVar variation 3611404 (VCV003611404.2).

ClinVar aggregate classification (germline): Uncertain significance (1 of 4 stars; one submission).

gnomAD v4.1: 1 of 1,613,810 alleles (0.000062%); highest among the groups gnomAD compares: Non-Finnish European, 0.000085%; no homozygotes.

Submission:

Labcorp Genetics (formerly Invitae), Labcorp
Classification: Uncertain significance. Last evaluated: 2024-12-07. Review status: criteria provided, single submitter. Criteria: Invitae Variant Classification Sherloc (09022015). Collection method: clinical testing. Allele origin: germline.
Comment: This sequence change replaces proline, which is neutral and non-polar, with serine, which is neutral and polar, at codon 1273 of the COL4A2 protein (p.Pro1273Ser). This variant is present in population databases (no rsID available, gnomAD 0.0009%). This variant has not been reported in the literature in individuals affected with COL4A2-related conditions. Invitae Evidence Modeling of protein sequence and biophysical properties (such as structural, functional, and spatial information, amino acid conservation, physicochemical variation, residue mobility, and thermodynamic stability) indicates that this missense variant is not expected to disrupt COL4A2 protein function with a negative predictive value of 80%. In summary, the available evidence is currently insufficient to determine the role of this variant in disease. Therefore, it has been classified as a Variant of Uncertain Significance.